The following is an entry in ClinVar:

NM_000548.5(TSC2):c.44T>G (p.Phe15Cys)

Gene: TSC2 (TSC complex subunit 2; plus strand). Cytogenetic location: 16p13.3.
Variant type: single nucleotide variant.
Coding change: c.44T>G on transcript NM_000548.5 (MANE Select); coding-DNA position 44, T replaced by G.
Protein change: p.Phe15Cys; replaces phenylalanine 15 with cysteine.
Molecular consequence: missense variant. On other transcripts: 5 prime UTR variant (19), non-coding transcript variant (5), intron variant (6).
Genome position (GRCh38, 1-based): chr16:2,048,659, T>G. VCF-style: chr16-2048659-T-G. GRCh37 (hg19) VCF-style: chr16-2098660-T-G.
Other names: c.44T>G, p.Phe15Cys (NM_001077183.3, NM_001114382.3, NM_001318827.2 and 13 more transcripts); c.-183T>G (NM_001318831.2, NM_001406682.1, NM_001406684.1 and 2 more transcripts); c.77T>G, p.Phe26Cys (NM_001318832.2); c.-773T>G (NM_001406680.1, NM_001406683.1, NM_001406687.1); c.-402T>G (NM_001406681.1); c.-1388T>G (NM_001406689.1, NM_001406690.1, NM_001406691.1 and 2 more transcripts); c.-1694T>G (NM_001406693.1); c.-1269T>G (NM_001406694.1, NM_001406695.1); and 4 more; short protein forms F15C, F26C.
Identifiers: ClinVar variation 2564649 (VCV002564649.2), dbSNP rs2150970912, ClinGen allele CA394300930.

ClinVar aggregate classification (germline): Uncertain significance (1 of 4 stars; one submission).

Conditions:
Hereditary cancer-predisposing syndrome. Also called: Neoplastic Syndromes, Hereditary; Hereditary Cancer Syndrome; Hereditary neoplastic syndrome; Tumor predisposition. Identifiers: Orphanet 140162, MedGen C0027672, MeSH D009386, MONDO:0015356.

Submission:

Ambry Genetics
Classification: Uncertain significance for Hereditary cancer-predisposing syndrome. Last evaluated: 2023-04-18. Review status: criteria provided, single submitter. Criteria: Ambry Variant Classification Scheme 2023. Collection method: clinical testing. Allele origin: germline.
Comment: The p.F15C variant (also known as c.44T>G), located in coding exon 1 of the TSC2 gene, results from a T to G substitution at nucleotide position 44. The phenylalanine at codon 15 is replaced by cysteine, an amino acid with highly dissimilar properties. This amino acid position is conserved. In addition, this alteration is predicted to be deleterious by in silico analysis. Since supporting evidence is limited at this time, the clinical significance of this alteration remains unclear.